The following is an entry in ClinVar:

ClinVar aggregate classification (germline): Uncertain significance (1 of 4 stars; one submission).

Conditions:
Psoriasis 2. Identifiers: MedGen C1864497, MONDO:0011269, OMIM 602723.
Pityriasis rubra pilaris (PRP). Also called: Pityriasis rubra pilaris--familial type. Identifiers: Orphanet 2897, MedGen C0032027, MONDO:0100017, OMIM 173200, MONDO:0008251.

Submission:

Labcorp Genetics (formerly Invitae), Labcorp
Classification: Uncertain significance for Pityriasis rubra pilaris; Psoriasis 2. Last evaluated: 2023-01-27. Review status: criteria provided, single submitter. Criteria: Invitae Variant Classification Sherloc (09022015). Collection method: clinical testing. Allele origin: germline.
Comment: In summary, the available evidence is currently insufficient to determine the role of this variant in disease. Therefore, it has been classified as a Variant of Uncertain Significance. Algorithms developed to predict the effect of sequence changes on RNA splicing suggest that this variant may disrupt the consensus splice site. Algorithms developed to predict the effect of missense changes on protein structure and function are either unavailable or do not agree on the potential impact of this missense change (SIFT: "Tolerated"; PolyPhen-2: "Possibly Damaging"; Align-GVGD: "Class C0"). This variant has not been reported in the literature in individuals affected with CARD14-related conditions. This variant is not present in population databases (gnomAD no frequency). This sequence change replaces alanine, which is neutral and non-polar, with valine, which is neutral and non-polar, at codon 856 of the CARD14 protein (p.Ala856Val).

NM_001366385.1(CARD14):c.2567C>T (p.Ala856Val)

Genes: SGSH (N-sulfoglucosamine sulfohydrolase; minus strand), CARD14 (caspase recruitment domain family member 14; plus strand), LOC126862662 (MED14-independent group 3 enhancer GRCh37_chr17:78178385-78179584; plus strand). Cytogenetic location: 17q25.3.
Variant type: single nucleotide variant.
Coding change: c.2567C>T on transcript NM_001366385.1 (MANE Select); coding-DNA position 2567, C replaced by T.
Protein change: p.Ala856Val; replaces alanine 856 with valine.
Molecular consequence: missense variant. On other transcripts: non-coding transcript variant (1).
Genome position (GRCh38, 1-based): chr17:80,205,203, C>T. VCF-style: chr17-80205203-C-T. GRCh37 (hg19) VCF-style: chr17-78179002-C-T.
Other names: c.2567C>T, p.Ala856Val (NM_024110.4); short protein forms A856V.
Identifiers: ClinVar variation 2943536 (VCV002943536.3), dbSNP rs745973455, ClinGen allele CA401356217.
Genomic context (GRCh38, chr17:80,205,203, plus strand): 5'-CGGTTGGGAAGATCCTGAGCGAGAAACTGTGCCTCCTCCAAGGGTTTAAGAAGTGCCTGG[C>T]AGGTATGCTGTTGCCTGGGAATCCCTCTACCCCTTCCACCTTCCCTCCCTCCCTCCTCCC-3'
Protein context (NP_001353314.1, residues 846-866): CLLQGFKKCL[Ala856Val]EYLSQEEYEA